The following is an entry in ClinVar:

NM_002471.4(MYH6):c.5126T>C (p.Ile1709Thr)

Genes: MYH6 (myosin heavy chain 6; minus strand), LOC126861896 (BRD4-independent group 4 enhancer GRCh37_chr14:23854904-23856103; plus strand). Cytogenetic location: 14q11.2.
Variant type: single nucleotide variant.
Coding change: c.5126T>C on transcript NM_002471.4 (MANE Select); coding-DNA position 5126, T replaced by C.
Protein change: p.Ile1709Thr; replaces isoleucine 1709 with threonine.
Molecular consequence: missense variant.
Genome position (GRCh38, 1-based): chr14:23,385,965, A>G on the plus strand (T>C on the coding strand, the complement: MYH6 is on the minus strand). VCF-style: chr14-23385965-A-G. GRCh37 (hg19) VCF-style: chr14-23855174-A-G.
Other names: short protein forms I1709T.
Identifiers: ClinVar variation 3400829 (VCV003400829.1).

ClinVar aggregate classification (germline): Uncertain significance (1 of 4 stars; one submission).

Conditions:
Cardiovascular phenotype. Identifiers: MedGen CN230736.

gnomAD v4.1: 4 of 1,614,186 alleles (0.00025%); highest among the groups gnomAD compares: Admixed American, 0.0067%; no homozygotes.

Submission:

Ambry Genetics
Classification: Uncertain significance for Cardiovascular phenotype. Last evaluated: 2024-11-08. Review status: criteria provided, single submitter. Criteria: Ambry Variant Classification Scheme 2023. Collection method: clinical testing. Allele origin: germline.
Comment: The p.I1709T variant (also known as c.5126T>C), located in coding exon 32 of the MYH6 gene, results from a T to C substitution at nucleotide position 5126. The isoleucine at codon 1709 is replaced by threonine, an amino acid with similar properties. This amino acid position is well conserved in available vertebrate species. In addition, this alteration is predicted to be tolerated by in silico analysis. Based on the available evidence, the clinical significance of this variant remains unclear.